The following is an entry in ClinVar:

ClinVar aggregate classification (germline): Uncertain significance (1 of 4 stars; one submission).

Submission:

Ambry Genetics
Classification: Uncertain significance. Last evaluated: 2024-02-12. Review status: criteria provided, single submitter. Criteria: Ambry Variant Classification Scheme 2023. Collection method: clinical testing. Allele origin: germline.
Comment: The p.E14G variant (also known as c.41A>G), located in coding exon 1 of the BUB3 gene, results from an A to G substitution at nucleotide position 41. The glutamic acid at codon 14 is replaced by glycine, an amino acid with similar properties. This amino acid position is conserved. In addition, this alteration is predicted to be tolerated by in silico analysis. Based on the available evidence, the clinical significance of this alteration remains unclear.

NM_004725.4(BUB3):c.41A>G (p.Glu14Gly)

Gene: BUB3 (BUB3 mitotic checkpoint protein; plus strand). Cytogenetic location: 10q26.13.
Variant type: single nucleotide variant.
Coding change: c.41A>G on transcript NM_004725.4 (MANE Select); coding-DNA position 41, A replaced by G.
Protein change: p.Glu14Gly; replaces glutamic acid 14 with glycine.
Molecular consequence: missense variant.
Genome position (GRCh38, 1-based): chr10:123,154,958, A>G. VCF-style: chr10-123154958-A-G. GRCh37 (hg19) VCF-style: chr10-124914474-A-G.
Other names: c.41A>G, p.Glu14Gly (NM_001007793.3); short protein forms E14G.
Identifiers: ClinVar variation 3224500 (VCV003224500.1), dbSNP rs2493755206, ClinGen allele CA378624817.